The following is an entry in ClinVar:

ClinVar aggregate classification (germline): Conflicting classifications of pathogenicity. Review status: criteria provided, conflicting classifications (1 of 4 stars). 4 submissions from 4 submitters: Uncertain significance (2); Benign (1); Likely benign (1). Last evaluated 2026-07-20.

Conditions:
Inborn genetic diseases. Identifiers: MedGen C0950123, MeSH D030342.
ARID1B-Related Disorder. Identifiers: MedGen CN381337.

Allele frequency attached by ClinVar (database versions not stated): gnomAD 0.00008; 1000 Genomes Project 30x 0.00062.
gnomAD v4.1: 25 of 1,141,088 alleles (0.0022%); highest among the groups gnomAD compares: South Asian, 0.093%; no homozygotes.

Submissions (4):

PreventionGenetics, part of Exact Sciences
Classification: Uncertain significance for ARID1B-related condition. Last evaluated: 2026-07-20. Review status: criteria provided, single submitter. Criteria: ACMG Guidelines, 2015. Collection method: clinical testing. Allele origin: germline.
Comment: The ARID1B c.1397G>T variant is predicted to result in the amino acid substitution p.Gly466Val. To our knowledge, this variant has not been reported in the literature. This variant is reported in 0.0% of alleles in individuals of African descent in gnomAD. At this time, the clinical significance of this variant is uncertain due to the absence of conclusive functional and genetic evidence.

CeGaT Center for Human Genetics Tuebingen
Classification: Likely benign. Last evaluated: 2026-05-01. Review status: criteria provided, single submitter. Criteria: CeGaT Center For Human Genetics Tuebingen Variant Classification Criteria Version 2. Collection method: clinical testing. Allele origin: germline. Affected: yes. Observed: 1 variant allele.
Comment: ARID1B: BS2

Labcorp Genetics (formerly Invitae), Labcorp
Classification: Benign. Last evaluated: 2025-06-02. Review status: criteria provided, single submitter. Criteria: Invitae Variant Classification Sherloc (09022015). Collection method: clinical testing. Allele origin: germline.

Ambry Genetics
Classification: Uncertain significance for Inborn genetic diseases. Last evaluated: 2024-02-28. Review status: criteria provided, single submitter. Criteria: Ambry Variant Classification Scheme 2023. Collection method: clinical testing. Allele origin: germline.

NM_001374828.1(ARID1B):c.1646G>T (p.Gly549Val)

Gene: ARID1B (AT-rich interaction domain 1B; plus strand). Cytogenetic location: 6q25.3.
Variant type: single nucleotide variant.
Coding change: c.1646G>T on transcript NM_001374828.1 (MANE Select); coding-DNA position 1646, G replaced by T.
Protein change: p.Gly549Val; replaces glycine 549 with valine.
Molecular consequence: missense variant.
Genome position (GRCh38, 1-based): chr6:156,779,326, G>T. VCF-style: chr6-156779326-G-T. GRCh37 (hg19) VCF-style: chr6-157100460-G-T.
Other names: c.1397G>T, p.Gly466Val (NM_001346813.1, NM_020732.3); c.1646G>T, p.Gly549Val (NM_001371656.1, NM_001374820.1, NM_017519.3); c.1223G>T, p.Gly408Val (NM_175863.2); short protein forms G408V, G466V, G549V.
Identifiers: ClinVar variation 2169537 (VCV002169537.8), dbSNP rs758181047, ClinGen allele CA4066773.